The following is an entry in ClinVar:

ClinVar aggregate classification (germline): Uncertain significance. Review status: criteria provided, multiple submitters, no conflicts (2 of 4 stars). 2 submissions from 2 submitters: Uncertain significance (2). Last evaluated 2025-06-19.

Conditions:
Inborn genetic diseases. Identifiers: MedGen C0950123, MeSH D030342.

Allele frequency attached by ClinVar (database versions not stated): TOPMed 0.00003; gnomAD 0.00007; ESP Exome Variant Server 0.00008; ExAC 0.00012; gnomAD exomes 0.00012.
gnomAD v4.1: 180 of 1,601,944 alleles (0.011%); highest among the groups gnomAD compares: East Asian, 0.049%; no homozygotes.

Submissions (2):

Ambry Genetics
Classification: Uncertain significance for Inborn genetic diseases. Last evaluated: 2025-06-19. Review status: criteria provided, single submitter. Criteria: Ambry Variant Classification Scheme 2023. Collection method: clinical testing. Allele origin: germline.

Labcorp Genetics (formerly Invitae), Labcorp
Classification: Uncertain significance. Last evaluated: 2024-03-13. Review status: criteria provided, single submitter. Criteria: Invitae Variant Classification Sherloc (09022015). Collection method: clinical testing. Allele origin: germline.
Comment: This sequence change replaces methionine, which is neutral and non-polar, with threonine, which is neutral and polar, at codon 267 of the FECH protein (p.Met267Thr). This variant is present in population databases (rs201476938, gnomAD 0.05%). This variant has not been reported in the literature in individuals affected with FECH-related conditions. ClinVar contains an entry for this variant (Variation ID: 2461890). Advanced modeling of protein sequence and biophysical properties (such as structural, functional, and spatial information, amino acid conservation, physicochemical variation, residue mobility, and thermodynamic stability) performed at Invitae indicates that this missense variant is not expected to disrupt FECH protein function with a negative predictive value of 80%. In summary, the available evidence is currently insufficient to determine the role of this variant in disease. Therefore, it has been classified as a Variant of Uncertain Significance.

NM_000140.5(FECH):c.800T>C (p.Met267Thr)

Gene: FECH (ferrochelatase; minus strand). Cytogenetic location: 18q21.31.
Variant type: single nucleotide variant.
Coding change: c.800T>C on transcript NM_000140.5 (MANE Select); coding-DNA position 800, T replaced by C.
Protein change: p.Met267Thr; replaces methionine 267 with threonine.
Molecular consequence: missense variant. On other transcripts: intron variant (1).
Genome position (GRCh38, 1-based): chr18:57,559,149, A>G on the plus strand (T>C on the coding strand, the complement: FECH is on the minus strand). VCF-style: chr18-57559149-A-G. GRCh37 (hg19) VCF-style: chr18-55226381-A-G.
Other names: c.818T>C, p.Met273Thr (NM_001012515.4); c.584T>C, p.Met195Thr (NM_001371095.1); c.800T>C, p.Met267Thr (NM_001374778.1); c.705+3725T>C (NM_001371094.1); short protein forms M195T, M267T, M273T.
Identifiers: ClinVar variation 2461890 (VCV002461890.4), dbSNP rs201476938, ClinGen allele CA8973110.